The following is an entry in ClinVar:

NM_001360016.2(G6PD):c.559A>G (p.Ile187Val)

Gene: G6PD (glucose-6-phosphate dehydrogenase; minus strand). Cytogenetic location: Xq28.
Variant type: single nucleotide variant.
Coding change: c.559A>G on transcript NM_001360016.2 (MANE Select); coding-DNA position 559, A replaced by G.
Protein change: p.Ile187Val; replaces isoleucine 187 with valine.
Molecular consequence: missense variant.
Genome position (GRCh38, 1-based): chrX:154,534,423, T>C on the plus strand (A>G on the coding strand, the complement: G6PD is on the minus strand). VCF-style: chrX-154534423-T-C. GRCh37 (hg19) VCF-style: chrX-153762638-T-C.
Other names: c.649A>G, p.Ile217Val (NM_000402.4); c.559A>G, p.Ile187Val (NM_001042351.3); short protein forms I187V, I217V.
Identifiers: ClinVar variation 1943656 (VCV001943656.5), dbSNP rs782366444, ClinGen allele CA10566216.
Genomic context (GRCh38, chrX:154,534,423, plus strand): 5'-TCTCCTTGCCCAGGTAGTGGTCGATGCGGTAGATCTGGTCCTCACGGAACAGGGAGGAGA[T>C]GTGGTTGGACAGCCGGTCAGAGCTCTGCAGGTCCCTCCCGAAGGGCTTCTCCACGATGAT-3'
Protein context (NP_001346945.1, residues 177-197): LQSSDRLSNH[Ile187Val]SSLFREDQIY

ClinVar aggregate classification (germline): Uncertain significance (1 of 4 stars; one submission).

Conditions:
Anemia, nonspherocytic hemolytic, due to G6PD deficiency (CNSHA1). Also called: Hemolytic anemia due to G6PD deficiency; Class I glucose-6-phosphate dehydrogenase deficiency; Favism, susceptibility to; ANEMIA, CONGENITAL, NONSPHEROCYTIC HEMOLYTIC, 1. Identifiers: Orphanet 466026, MedGen C2720289, MONDO:0010480, OMIM 300908.

Allele frequency attached by ClinVar (database versions not stated): gnomAD exomes 0.00001; ExAC 0.00002.
gnomAD v4.1: 4 of 1,211,066 alleles (0.00033%); highest among the groups gnomAD compares: East Asian, 0.0059%; no homozygotes.

Submission:

Labcorp Genetics (formerly Invitae), Labcorp
Classification: Uncertain significance for Anemia, nonspherocytic hemolytic, due to G6PD deficiency. Last evaluated: 2022-09-07. Review status: criteria provided, single submitter. Criteria: Invitae Variant Classification Sherloc (09022015). Collection method: clinical testing. Allele origin: germline.
Comment: In summary, the available evidence is currently insufficient to determine the role of this variant in disease. Therefore, it has been classified as a Variant of Uncertain Significance. Advanced modeling of protein sequence and biophysical properties (such as structural, functional, and spatial information, amino acid conservation, physicochemical variation, residue mobility, and thermodynamic stability) performed at Invitae indicates that this missense variant is expected to disrupt G6PD protein function. This variant has not been reported in the literature in individuals affected with G6PD-related conditions. This variant is present in population databases (rs782366444, gnomAD 0.008%). This sequence change replaces isoleucine, which is neutral and non-polar, with valine, which is neutral and non-polar, at codon 187 of the G6PD protein (p.Ile187Val).